The following is an entry in ClinVar:

NM_001190787.3(MCIDAS):c.474G>A (p.Pro158=)

Gene: MCIDAS (multiciliate differentiation and DNA synthesis associated cell cycle protein; minus strand). Cytogenetic location: 5q11.2.
Variant type: single nucleotide variant.
Coding change: c.474G>A on transcript NM_001190787.3 (MANE Select); coding-DNA position 474, G replaced by A.
Protein change: p.Pro158=; no amino-acid change (proline 158 retained).
Molecular consequence: synonymous variant.
Genome position (GRCh38, 1-based): chr5:55,222,308, C>T on the plus strand (G>A on the coding strand, the complement: MCIDAS is on the minus strand). VCF-style: chr5-55222308-C-T. GRCh37 (hg19) VCF-style: chr5-54518136-C-T.
Identifiers: ClinVar variation 454530 (VCV000454530.12), dbSNP rs1001897568, ClinGen allele CA118982004.
Genomic context (GRCh38, chr5:55,222,308, plus strand): 5'-AGGCGGGGGCACGTCTGGAGGGCGCAGCGGTGGTGACTGCAGGGCCCGTGGGTCCAGTGG[C>T]GGGGAGAGGCAGGGCCCGAATGGTGATATGTCGCAAGGAGAGAAGGGGAAGTCTCCGCTG-3'
Protein context (NP_001177716.1, residues 148-168): DISPFGPCLS[Pro158=]PLDPRALQSP

ClinVar aggregate classification (germline): Likely benign. Review status: criteria provided, single submitter (1 of 4 stars). 2 submissions from 2 submitters: Likely benign (1). 1 of the submissions does not count toward it. Last evaluated 2026-01-21.

Conditions:
MCIDAS-related disorder. Also called: MCIDAS-related condition.
Primary ciliary dyskinesia. Also called: Ciliary dyskinesia. Identifiers: Orphanet 244, MedGen C0008780, MONDO:0016575, HP:0012265.

Allele frequency attached by ClinVar (database versions not stated): gnomAD exomes 0.00004 and 0.00005; gnomAD 0.00011; TOPMed 0.00014.

Submissions (2):

Labcorp Genetics (formerly Invitae), Labcorp
Classification: Likely benign for Primary ciliary dyskinesia. Last evaluated: 2026-01-21. Review status: criteria provided, single submitter. Criteria: Invitae Variant Classification Sherloc (09022015). Collection method: clinical testing. Allele origin: germline.

PreventionGenetics, part of Exact Sciences
Classification: Likely benign for MCIDAS-related condition. Last evaluated: 2024-03-23. Review status: no assertion criteria provided. Collection method: clinical testing. Allele origin: germline. Not counted in ClinVar's aggregate classification.
Comment: This variant is classified as likely benign based on ACMG/AMP sequence variant interpretation guidelines (Richards et al. 2015 PMID: 25741868, with internal and published modifications).